The following is an entry in ClinVar:

NM_000037.4(ANK1):c.4812_4813del (p.Ala1605fs)

Gene: ANK1 (ankyrin 1; minus strand). Cytogenetic location: 8p11.21.
Variant type: Deletion.
Coding change: c.4812_4813del on transcript NM_000037.4 (MANE Select); coding-DNA positions 4812 to 4813, 2 bases deleted (GG; older notation c.4812_4813delGG).
Protein change: p.Ala1605fs; shifts the reading frame from alanine 1605.
Molecular consequence: frameshift variant. On other transcripts: intron variant (1).
Genome position (GRCh38, 1-based): chr8:41,672,637-41,672,638, CC deleted on the plus strand (GG on the coding strand, the reverse complement: ANK1 is on the minus strand); deleting any 2 consecutive bases within chr8:41,672,637-41,672,641 gives the same sequence; the c. name uses the placement nearest the transcript's 3' end. VCF-style (leftmost placement, unchanged base first): chr8-41672636-GCC-G. GRCh37 (hg19) VCF-style: chr8-41530154-GCC-G.
Other names: c.4935_4936del, p.Ala1646fs (NM_001142446.2); c.4812_4813del, p.Ala1605fs (NM_020475.3, NM_020476.3); c.4538-212_4538-211del (NM_020477.3); short protein forms A1605fs, A1646fs.
Identifiers: ClinVar variation 3646504 (VCV003646504.2).
Genomic context (GRCh38, chr8:41,672,636, plus strand): 5'-GTGTCGTCCTCCACAAGTTCCAGAGAGCCCAACTCGGGGCCCCGCGGTTCCTCTGAGAGT[GCC>G]CCCTCCAACTTCCACTCGTGACCTGTGGCATCAGAGTCCTCAGCCTTGCTACACTCCAGA-3'

ClinVar aggregate classification (germline): Pathogenic (1 of 4 stars; one submission).

Submission:

Labcorp Genetics (formerly Invitae), Labcorp
Classification: Pathogenic. Last evaluated: 2024-03-23. Review status: criteria provided, single submitter. Criteria: Invitae Variant Classification Sherloc (09022015). Collection method: clinical testing. Allele origin: germline.
Comment: This sequence change creates a premature translational stop signal (p.Ala1605Thrfs*34) in the ANK1 gene. It is expected to result in an absent or disrupted protein product. Loss-of-function variants in ANK1 are known to be pathogenic (PMID: 8640229). This variant is not present in population databases (gnomAD no frequency). This variant has not been reported in the literature in individuals affected with ANK1-related conditions. For these reasons, this variant has been classified as Pathogenic.

Literature cited by the submitters: PubMed 8640229.